The following is an entry in ClinVar:

ClinVar aggregate classification (germline): Uncertain significance (1 of 4 stars; one submission).

Allele frequency attached by ClinVar (database versions not stated): gnomAD exomes 0.00001.
gnomAD v4.1: 7 of 1,211,371 alleles (0.00058%); highest among the groups gnomAD compares: South Asian, 0.0018%; no homozygotes.

Submission:

GeneDx
Classification: Uncertain significance. Last evaluated: 2017-07-25. Review status: criteria provided, single submitter. Criteria: GeneDx Variant Classification (06012015). Collection method: clinical testing. Allele origin: germline. Affected: yes.
Comment: The R710H variant in the NLGN4X gene has not been reported previously as a pathogenic variant, nor as a benign variant, to our knowledge. The R710H variant is not observed in large population cohorts (Lek et al., 2016; 1000 Genomes Consortium et al., 2015; Exome Variant Server). The R710H variant is a conservative amino acid substitution, which is not likely to impact secondary protein structure as these residues share similar properties. This substitution occurs at a position that is conserved in mammals. In silico analysis is inconsistent in its predictions as to whether or not the variant is damaging to the protein structure/function. We interpret R710H as a variant of uncertain significance

NM_181332.3(NLGN4X):c.2129G>A (p.Arg710His)

Gene: NLGN4X (neuroligin 4 X-linked; minus strand). Cytogenetic location: Xp22.32.
Variant type: single nucleotide variant.
Coding change: c.2129G>A on transcript NM_181332.3 (MANE Select); coding-DNA position 2129, G replaced by A.
Protein change: p.Arg710His; replaces arginine 710 with histidine.
Molecular consequence: missense variant.
Genome position (GRCh38, 1-based): chrX:5,893,139, C>T on the plus strand (G>A on the coding strand, the complement: NLGN4X is on the minus strand). VCF-style: chrX-5893139-C-T. GRCh37 (hg19) VCF-style: chrX-5811180-C-T.
Other names: c.2129G>A, p.Arg710His (NM_001282145.2, NM_001282146.2, NM_020742.4); short protein forms R710H.
Identifiers: ClinVar variation 450545 (VCV000450545.2), dbSNP rs4017999, ClinGen allele CA326308997.